The following is an entry in ClinVar:

ClinVar aggregate classification (germline): Uncertain significance (1 of 4 stars; one submission).

gnomAD v4.1: 106 of 1,613,816 alleles (0.0066%); highest among the groups gnomAD compares: Non-Finnish European, 0.0087%; no homozygotes.

Submission:

Labcorp Genetics (formerly Invitae), Labcorp
Classification: Uncertain significance. Last evaluated: 2025-09-15. Review status: criteria provided, single submitter. Criteria: Invitae Variant Classification Sherloc (09022015). Collection method: clinical testing. Allele origin: germline.
Comment: This sequence change replaces cysteine, which is neutral and slightly polar, with serine, which is neutral and polar, at codon 371 of the EGF protein (p.Cys371Ser). This variant is present in population databases (rs750565511, gnomAD 0.005%). This variant has not been reported in the literature in individuals affected with EGF-related conditions. An algorithm developed to predict the effect of missense changes on protein structure and function (PolyPhen-2) suggests that this variant is likely to be disruptive. In summary, the available evidence is currently insufficient to determine the role of this variant in disease. Therefore, it has been classified as a Variant of Uncertain Significance.

NM_001963.6(EGF):c.1112G>C (p.Cys371Ser)

Gene: EGF (epidermal growth factor; plus strand). Cytogenetic location: 4q25.
Variant type: single nucleotide variant.
Coding change: c.1112G>C on transcript NM_001963.6 (MANE Select); coding-DNA position 1112, G replaced by C.
Protein change: p.Cys371Ser; replaces cysteine 371 with serine.
Molecular consequence: missense variant.
Genome position (GRCh38, 1-based): chr4:109,960,912, G>C. VCF-style: chr4-109960912-G-C. GRCh37 (hg19) VCF-style: chr4-110882068-G-C.
Other names: c.1112G>C, p.Cys371Ser (NM_001178130.3); c.986G>C, p.Cys329Ser (NM_001178131.3, NM_001357021.2); short protein forms C329S, C371S.
Identifiers: ClinVar variation 4708658 (VCV004708658.1).
Genomic context (GRCh38, chr4:109,960,912, plus strand): 5'-GTTGTCATTGTGCAGATGTTAATGAATGTGCTTTTTGGAATCATGGCTGTACTCTTGGGT[G>C]TAAAAACACCCCTGGATCCTATTACTGCACGTGCCCTGTAGGATTTGTTCTGCTTCCTGA-3'
Protein context (NP_001954.2, residues 361-381): AFWNHGCTLG[Cys371Ser]KNTPGSYYCT